The following is an entry in ClinVar:

ClinVar aggregate classification (germline): Uncertain significance. Review status: criteria provided, multiple submitters, no conflicts (2 of 4 stars). 3 submissions from 3 submitters: Uncertain significance (3). Last evaluated 2024-10-19.

Conditions:
IL17RA-related disorder. Also called: IL17RA-related condition.
Immunodeficiency 51 (IMD51). Also called: CANDIDIASIS, FAMILIAL, 5. Identifiers: Orphanet 1334, MedGen C4310803, MONDO:0013500, OMIM 613953.

Allele frequency attached by ClinVar (database versions not stated): gnomAD 0.00001; TOPMed 0.00001; ExAC 0.00002; gnomAD exomes 0.00002 and 0.00003.

Submissions (3):

PreventionGenetics, part of Exact Sciences
Classification: Uncertain significance for IL17RA-related condition. Last evaluated: 2024-10-19. Review status: criteria provided, single submitter. Criteria: ACMG Guidelines, 2015. Collection method: clinical testing. Allele origin: germline.
Comment: The IL17RA c.2245G>A variant is predicted to result in the amino acid substitution p.Glu749Lys. To our knowledge, this variant has not been reported in the literature. This variant is reported in 0.0071% of alleles in individuals of European (Non-Finnish) descent in gnomAD. At this time, the clinical significance of this variant is uncertain due to the absence of conclusive functional and genetic evidence.

Labcorp Genetics (formerly Invitae), Labcorp
Classification: Uncertain significance for Immunodeficiency 51. Last evaluated: 2022-07-19. Review status: criteria provided, single submitter. Criteria: Invitae Variant Classification Sherloc (09022015). Collection method: clinical testing. Allele origin: germline.
Comment: This sequence change replaces glutamic acid, which is acidic and polar, with lysine, which is basic and polar, at codon 749 of the IL17RA protein (p.Glu749Lys). This variant is present in population databases (rs779004550, gnomAD 0.008%). This variant has not been reported in the literature in individuals affected with IL17RA-related conditions. ClinVar contains an entry for this variant (Variation ID: 340610). Algorithms developed to predict the effect of missense changes on protein structure and function output the following: SIFT: "Tolerated"; PolyPhen-2: "Possibly Damaging"; Align-GVGD: "Class C0". The lysine amino acid residue is found in multiple mammalian species, which suggests that this missense change does not adversely affect protein function. In summary, the available evidence is currently insufficient to determine the role of this variant in disease. Therefore, it has been classified as a Variant of Uncertain Significance.

Illumina Laboratory Services, Illumina
Classification: Uncertain significance for Immunodeficiency 51. Last evaluated: 2018-01-13. Review status: criteria provided, single submitter. Criteria: ICSL Variant Classification Criteria 13 December 2019. Collection method: clinical testing. Allele origin: germline.

NM_014339.7(IL17RA):c.2245G>A (p.Glu749Lys)

Gene: IL17RA (interleukin 17 receptor A; plus strand). Cytogenetic location: 22q11.1.
Variant type: single nucleotide variant.
Coding change: c.2245G>A on transcript NM_014339.7 (MANE Select); coding-DNA position 2245, G replaced by A.
Protein change: p.Glu749Lys; replaces glutamic acid 749 with lysine.
Molecular consequence: missense variant.
Genome position (GRCh38, 1-based): chr22:17,109,464, G>A. VCF-style: chr22-17109464-G-A. GRCh37 (hg19) VCF-style: chr22-17590354-G-A.
Other names: c.2143G>A, p.Glu715Lys (NM_001289905.2); short protein forms E749K, E715K.
Identifiers: ClinVar variation 340610 (VCV000340610.8), dbSNP rs779004550, ClinGen allele CA10086951.